The following is an entry in ClinVar:

NM_130839.5(UBE3A):c.1645AAG[1] (p.Lys550del)

Genes: SNHG14 (small nucleolar RNA host gene 14; plus strand), UBE3A (ubiquitin protein ligase E3A; minus strand). Cytogenetic location: 15q11.2.
Variant type: Microsatellite.
Coding change: c.1645AAG[1] on transcript NM_130839.5 (MANE Select); one copy of the 3-base unit AAG starting at c.1645; the reference has two copies in a row; one copy, 3 bases deleted.
Protein change: p.Lys550del; deletes lysine 550.
Molecular consequence: inframe indel (on NM_130838.1). On other transcripts: non-coding transcript variant (1).
Genome position (GRCh38, 1-based): chr15:25,360,486-25,360,488, CTT deleted on the plus strand (AAG on the coding strand, the reverse complement: UBE3A is on the minus strand); deleting any 3 consecutive bases within chr15:25,360,486-25,360,492 gives the same sequence; the position shown is the placement nearest the transcript's 3' end. VCF-style (leftmost placement, unchanged base first): chr15-25360485-GCTT-G. GRCh37 (hg19) VCF-style: chr15-25605632-GCTT-G.
Other names: c.1654AAG[1], p.Lys553del (NM_000462.5); c.1645AAG[1], p.Lys550del (NM_001354505.1, NM_001354538.2, NM_001354545.2); c.1585AAG[1], p.Lys530del (NM_001354506.2, NM_001354507.2, NM_001354508.2 and 17 more transcripts); c.1468AAG[1], p.Lys491del (NM_001354546.2); c.394AAG[1], p.Lys133del (NM_001354550.2); c.334AAG[1], p.Lys113del (NM_001354551.2); c.1584_1586GAA[1], p.Lys530del (NM_130838.1); c.1588_1590del (NM_130838.1); short protein forms K113del, K133del, K491del, K530del, K550del, K553del.
Identifiers: ClinVar variation 3777148 (VCV003777148.1).

ClinVar aggregate classification (germline): Likely pathogenic (1 of 4 stars; one submission).

Conditions:
Angelman syndrome (AS). Also called: HAPPY PUPPET SYNDROME. Identifiers: Orphanet 72, MedGen C0162635, MONDO:0007113, OMIM 105830. Disease mechanism: loss of function. Inheritance: AS is caused by disruption of maternally imprinted UBE3A located within the 15q11.2-q13 Angelman syndrome/Prader-Willi syndrome (AS/PWS) region., imprinting disorder.

Submission:

University of Washington Department of Laboratory Medicine, University of Washington
Classification: Likely pathogenic for Angelman syndrome. Last evaluated: 2021-05-26. Review status: criteria provided, single submitter. Criteria: ACMG Guidelines, 2015. Collection method: clinical testing. Allele origin: de novo. Affected: yes.
Comment: This variant results in an in-frame deletion of a highly conserved amino acid and was absent from large population databases, including the Genome Aggregation Database. The UBE3A gene has fewer missense variants in the general population than expected, most notably in the region near the p.Lys530del variant. A low rate of missense variation may suggest that this gene is intolerant to this type of variation, which is similar to a single amino acid deletion. Using ACMG guidelines, this variant was classified as likely pathogenic for autosomal dominant Angelman syndrome (ACMG evidence codes used: PS2, PS4_supporting, PM4, PM2_supporting).